The following is an entry in ClinVar:

ClinVar aggregate classification (germline): Likely pathogenic. Review status: criteria provided, single submitter (1 of 4 stars). 2 submissions from 2 submitters: Likely pathogenic (1). 1 of the submissions does not count toward it. Last evaluated 2018-03-06.

Conditions:
RPS19-related disorder. Also called: RPS19-related condition.
Diamond-Blackfan anemia. Also called: Blackfan Diamond syndrome; Aregenerative anemia chronic congenital; Red cell aplasia, pure hereditary; Congenital hypoplastic anemia; Aase syndrome. Identifiers: Orphanet 124, MedGen C1260899, MeSH D029503, MONDO:0015253, HP:0004810.

Submissions (2):

Ambry Genetics
Classification: Likely pathogenic for Diamond-Blackfan anemia. Last evaluated: 2018-03-06. Review status: criteria provided, single submitter. Criteria: Ambry Variant Classification Scheme 2023. Collection method: clinical testing. Allele origin: germline.
Comment: The p.R56Q variant (also known as c.167G>A), located in coding exon 2 of the RPS19 gene, results from a G to A substitution at nucleotide position 167. The arginine at codon 56 is replaced by glutamine, an amino acid with highly similar properties. This variant has been identified in multiple individuals with Diamond-Blackfan anemia (Willig TN et al. Blood, 1999 Dec;94:4294-306; Gazda HT et al. Br. J. Haematol., 2004 Oct;127:105-13; Campagnoli MF et al. Hum. Mutat., 2008 Jul;29:911-20; Pospisilova D et al. Blood Cells Mol. Dis., 2012 Apr;48:209-18). In HEK293 cells, RPS19 protein with this variant showed nucleolar localization similar to wild type; however, the mutant protein was not associated with the ribosomes (Angelini M et al. Hum. Mol. Genet., 2007 Jul;16:1720-7). Functional analyses in K562 cells expressing this variant demonstrated reduced RPS19 protein levels and a lower level of basal translation compared to wild type (Cmejlova J et al. Haematologica, 2006 Nov;91:1456-64; Kuramitsu M et al. Br. J. Haematol., 2008 Feb;140:348-59). This amino acid position is highly conserved in available vertebrate species. In addition, this alteration is predicted to be deleterious by in silico analysis. Based on the majority of available evidence to date, this variant is likely to be pathogenic.

PreventionGenetics, part of Exact Sciences
Classification: Likely pathogenic for RPS19-related condition. Last evaluated: 2024-09-03. Review status: no assertion criteria provided. Collection method: clinical testing. Allele origin: germline. Not counted in ClinVar's aggregate classification.
Comment: The RPS19 c.167G>A variant is predicted to result in the amino acid substitution p.Arg56Gln. This variant has been reported in multiple individuals with Diamond-Blackfan anemia (DBA) (Willig et al. 1999. PubMed ID: 10590074; Gazda et al. 2004. PubMed ID: 15384984). In vitro functional studies have demonstrated that RPS19 protein with the p.Arg56Gln variant localizes properly to the nucleolus but is not incorporated into ribosomes, leading to reduced protein translation levels relative to wild type (Cmejlova et al. 2006. PubMed ID: 17082006; Angelini et al. 2007. PubMed ID: 17517689). This variant has not been reported in the gnomAD database, indicating this variant is rare. Other missense variants at the same amino acid residue (p.Arg56Pro, p.Arg56Leu) have also been reported in individuals with DBA (Ozono et al. 2016. PubMed ID: 27601194; Table S4A, Mirabello et al. 2017. PubMed ID: 28280134). Taken together, the p.Arg56Gln variant is interpreted as likely pathogenic.

Literature cited by the submitters: PubMed 10590074 (cited by Ambry Genetics); PubMed 15384984 (cited by Ambry Genetics); PubMed 17082006 (cited by Ambry Genetics); PubMed 17517689 (cited by Ambry Genetics); PubMed 18217898 (cited by Ambry Genetics); PubMed 18412286 (cited by Ambry Genetics); PubMed 22381658 (cited by Ambry Genetics).

NM_001022.4(RPS19):c.167G>A (p.Arg56Gln)

Genes: RPS19-CD79A (RPS19-CD79A readthrough; plus strand), RPS19 (ribosomal protein S19; plus strand). Cytogenetic location: 19q13.2.
Variant type: single nucleotide variant.
Coding change: c.167G>A on transcript NM_001022.4 (MANE Select); coding-DNA position 167, G replaced by A.
Protein change: p.Arg56Gln; replaces arginine 56 with glutamine.
Molecular consequence: missense variant.
Genome position (GRCh38, 1-based): chr19:41,861,207, G>A. VCF-style: chr19-41861207-G-A. GRCh37 (hg19) VCF-style: chr19-42365276-G-A.
Other names: c.167G>A, p.Arg56Gln (NM_001321483.2, NM_001321484.2, NM_001321485.2); short protein forms R56Q.
Identifiers: ClinVar variation 1777874 (VCV001777874.3), dbSNP rs2513667441, ClinGen allele CA406047295.